The following is an entry in ClinVar:

ClinVar aggregate classification (germline): Likely benign (0 of 4 stars; one submission).

Conditions:
RELN-related disorder. Also called: RELN-related condition.

Allele frequency attached by ClinVar (database versions not stated): gnomAD exomes below 0.00001.
gnomAD v4.1: 1 of 1,613,884 alleles (0.000062%); highest among the groups gnomAD compares: Non-Finnish European, 0.000085%; no homozygotes.

Submission:

PreventionGenetics, part of Exact Sciences
Classification: Likely benign for RELN-related condition. Last evaluated: 2020-01-31. Review status: no assertion criteria provided. Collection method: clinical testing. Allele origin: germline.
Comment: This variant is classified as likely benign based on ACMG/AMP sequence variant interpretation guidelines (Richards et al. 2015 PMID: 25741868, with internal and published modifications).

NM_005045.4(RELN):c.6126A>G (p.Glu2042=)

Gene: RELN (reelin; minus strand). Cytogenetic location: 7q22.1.
Variant type: single nucleotide variant.
Coding change: c.6126A>G on transcript NM_005045.4 (MANE Select); coding-DNA position 6126, A replaced by G.
Protein change: p.Glu2042=; no amino-acid change (glutamic acid 2042 retained).
Molecular consequence: synonymous variant.
Genome position (GRCh38, 1-based): chr7:103,551,243, T>C on the plus strand (A>G on the coding strand, the complement: RELN is on the minus strand). VCF-style: chr7-103551243-T-C. GRCh37 (hg19) VCF-style: chr7-103191690-T-C.
Other names: c.6126A>G, p.Glu2042= (NM_173054.3).
Identifiers: ClinVar variation 3051669 (VCV003051669.2), dbSNP rs2484717627, ClinGen allele CA457014498.